The following is an entry in ClinVar:

NM_004736.4(XPR1):c.1954G>A (p.Val652Ile)

Gene: XPR1 (xenotropic and polytropic retrovirus receptor 1; plus strand). Cytogenetic location: 1q25.3.
Variant type: single nucleotide variant.
Coding change: c.1954G>A on transcript NM_004736.4 (MANE Select); coding-DNA position 1954, G replaced by A.
Protein change: p.Val652Ile; replaces valine 652 with isoleucine.
Molecular consequence: missense variant. On other transcripts: non-coding transcript variant (1).
Genome position (GRCh38, 1-based): chr1:180,880,221, G>A. VCF-style: chr1-180880221-G-A. GRCh37 (hg19) VCF-style: chr1-180849357-G-A.
Other names: c.1759G>A, p.Val587Ile (NM_001135669.2); short protein forms V652I, V587I.
Identifiers: ClinVar variation 634593 (VCV000634593.7), dbSNP rs748681314, ClinGen allele CA1272867.

ClinVar aggregate classification (germline): Uncertain significance. Review status: criteria provided, multiple submitters, no conflicts (2 of 4 stars). 2 submissions from 2 submitters: Uncertain significance (2). Last evaluated 2023-03-20.

Conditions:
Basal ganglia calcification, idiopathic, 6 (PFBC6). Also called: PRIMARY FAMILIAL BRAIN CALCIFICATION 6, AUTOSOMAL DOMINANT. Identifiers: Orphanet 1980, MedGen C4225335, MONDO:0014628, OMIM 616413.

Allele frequency attached by ClinVar (database versions not stated): gnomAD exomes 0.00001; TOPMed 0.00001; ExAC 0.00001; gnomAD 0.00001.
gnomAD v4.1: 13 of 1,614,054 alleles (0.00081%); highest among the groups gnomAD compares: East Asian, 0.0022%; no homozygotes.

Submissions (2):

Labcorp Genetics (formerly Invitae), Labcorp
Classification: Uncertain significance. Last evaluated: 2023-03-20. Review status: criteria provided, single submitter. Criteria: Invitae Variant Classification Sherloc (09022015). Collection method: clinical testing. Allele origin: germline.
Comment: This sequence change replaces valine, which is neutral and non-polar, with isoleucine, which is neutral and non-polar, at codon 652 of the XPR1 protein (p.Val652Ile). This variant is present in population databases (rs748681314, gnomAD 0.003%). This variant has not been reported in the literature in individuals affected with XPR1-related conditions. ClinVar contains an entry for this variant (Variation ID: 634593). An algorithm developed to predict the effect of missense changes on protein structure and function (PolyPhen-2) suggests that this variant is likely to be tolerated. In summary, the available evidence is currently insufficient to determine the role of this variant in disease. Therefore, it has been classified as a Variant of Uncertain Significance.

Genomic Research Center, Shahid Beheshti University of Medical Sciences
Classification: Uncertain significance for Basal ganglia calcification, idiopathic, 6. Last evaluated: 2019-01-01. Review status: criteria provided, single submitter. Criteria: ACMG Guidelines, 2015. Collection method: clinical testing. Allele origin: unknown. Affected: yes. Observed: 1 variant allele.